The following is an entry in ClinVar:

ClinVar aggregate classification (germline): Uncertain significance. Review status: criteria provided, multiple submitters, no conflicts (2 of 4 stars). 3 submissions from 3 submitters: Uncertain significance (2). 1 of the submissions does not count toward it. Last evaluated 2026-05-01.

Conditions:
BRCA1-related disorder. Also called: BRCA1-related condition.
Breast-ovarian cancer, familial, susceptibility to, 1 (BROVCA1). Also called: BRCA1 Hereditary Breast and Ovarian Cancer; OVARIAN CANCER, SUSCEPTIBILITY TO. Identifiers: Orphanet 145, MedGen C2676676, MONDO:0011450, OMIM 604370. Disease mechanism: loss of function.

Allele frequency attached by ClinVar (database versions not stated): TOPMed below 0.00001; gnomAD 0.00002; gnomAD exomes 0.00006 and 0.00010; ExAC 0.00012.

Submissions (3):

CeGaT Center for Human Genetics Tuebingen
Classification: Uncertain significance. Last evaluated: 2026-05-01. Review status: criteria provided, single submitter. Criteria: CeGaT Center For Human Genetics Tuebingen Variant Classification Criteria Version 2. Collection method: clinical testing. Allele origin: germline. Affected: yes. Observed: 1 variant allele.
Comment: BRCA1: PM2, BP4

Molecular Endocrinology Laboratory, Christian Medical College
Classification: Uncertain significance for Breast-ovarian cancer, familial, susceptibility to, 1. Review status: criteria provided, single submitter. Criteria: ACMG Guidelines, 2015. Collection method: clinical testing. Allele origin: germline. Affected: yes.

PreventionGenetics, part of Exact Sciences
Classification: Likely benign for BRCA1-related condition. Last evaluated: 2019-12-26. Review status: no assertion criteria provided. Collection method: clinical testing. Allele origin: germline. Not counted in ClinVar's aggregate classification.
Comment: This variant is classified as likely benign based on ACMG/AMP sequence variant interpretation guidelines (Richards et al. 2015 PMID: 25741868, with internal and published modifications).

NM_007294.4(BRCA1):c.4358-2789A>G

Gene: BRCA1 (BRCA1 DNA repair associated; minus strand). Cytogenetic location: 17q21.31.
Variant type: single nucleotide variant.
Coding change: c.4358-2789A>G on transcript NM_007294.4 (MANE Select); 2789 bases into the intron before coding-DNA position 4358, A replaced by G.
Molecular consequence: intron variant.
Genome position (GRCh38, 1-based): chr17:43,079,403, T>C on the plus strand (A>G on the coding strand, the complement: BRCA1 is on the minus strand). VCF-style: chr17-43079403-T-C. GRCh37 (hg19) VCF-style: chr17-41231420-T-C.
Other names: c.908-2792A>G (NM_001408458.1, NM_001408461.1, NM_001408459.1 and 1 more transcripts); c.3470-2792A>G (NM_001407967.1); c.3977-2789A>G (NM_001407959.1); c.4091-2789A>G (NM_001407931.1, NM_001407932.1, NM_001407930.1 and 1 more transcripts); c.4214-2789A>G (NM_001407747.1, NM_001407745.1, NM_001407746.1 and 11 more transcripts); c.3974-2789A>G (NM_001407962.1); c.545-2789A>G (NM_001408512.1); c.668-2789A>G (NM_001408510.1); and 98 more.
Identifiers: ClinVar variation 1315515 (VCV001315515.6), dbSNP rs753888336, ClinGen allele CA060088.